The following is an entry in ClinVar:

ClinVar aggregate classification (germline): Uncertain significance (1 of 4 stars; one submission).

Conditions:
Neuromuscular disease caused by qualitative or quantitative defects of dysferlin. Also called: Qualitative or quantitative defects of dysferlin; Dysferlinopathy. Identifiers: Orphanet 207073, MedGen C2931687, MONDO:0016145.

Allele frequency attached by ClinVar (database versions not stated): gnomAD exomes below 0.00001 and 0.00001.
gnomAD v4.1: 18 of 1,608,372 alleles (0.0011%); highest among the groups gnomAD compares: Non-Finnish European, 0.0014%; no homozygotes.

Submission:

Labcorp Genetics (formerly Invitae), Labcorp
Classification: Uncertain significance for Neuromuscular disease caused by qualitative or quantitative defects of dysferlin. Last evaluated: 2022-06-20. Review status: criteria provided, single submitter. Criteria: Invitae Variant Classification Sherloc (09022015). Collection method: clinical testing. Allele origin: germline.
Comment: This sequence change falls in intron 39 of the DYSF gene. It does not directly change the encoded amino acid sequence of the DYSF protein. This variant is present in population databases (no rsID available, gnomAD 0.0009%). This variant has not been reported in the literature in individuals affected with DYSF-related conditions. Algorithms developed to predict the effect of sequence changes on RNA splicing suggest that this variant may create or strengthen a splice site. In summary, the available evidence is currently insufficient to determine the role of this variant in disease. Therefore, it has been classified as a Variant of Uncertain Significance.

NM_001130987.2(DYSF):c.4388-17G>A

Gene: DYSF (dysferlin; plus strand). Cytogenetic location: 2p13.2.
Variant type: single nucleotide variant.
Coding change: c.4388-17G>A on transcript NM_001130987.2 (MANE Select); 17 bases into the intron before coding-DNA position 4388, G replaced by A.
Molecular consequence: intron variant.
Genome position (GRCh38, 1-based): chr2:71,613,317, G>A. VCF-style: chr2-71613317-G-A. GRCh37 (hg19) VCF-style: chr2-71840447-G-A.
Other names: c.4427-17G>A (NM_001130979.2); c.4385-17G>A (NM_001130981.2, NM_001130980.2); c.4334-17G>A (NM_001130978.2, NM_003494.4); c.4292-17G>A (NM_001130977.2, NM_001130976.2); c.4430-17G>A (NM_001130982.2); c.4388-17G>A (NM_001130985.2); c.4337-17G>A (NM_001130983.2, NM_001130455.2); c.4295-17G>A (NM_001130984.2, NM_001130986.2).
Identifiers: ClinVar variation 1378876 (VCV001378876.5), dbSNP rs1228239502, ClinGen allele CA533264950.